The following is an entry in ClinVar:

NM_001130987.2(DYSF):c.3756+9G>T

Gene: DYSF (dysferlin; plus strand). Cytogenetic location: 2p13.2.
Variant type: single nucleotide variant.
Coding change: c.3756+9G>T on transcript NM_001130987.2 (MANE Select); 9 bases into the intron after coding-DNA position 3756, G replaced by T.
Molecular consequence: intron variant.
Genome position (GRCh38, 1-based): chr2:71,598,754, G>T. VCF-style: chr2-71598754-G-T. GRCh37 (hg19) VCF-style: chr2-71825884-G-T.
Other names: p.?; c.3795+9G>T (NM_001130979.2); c.3753+9G>T (NM_001130981.2, NM_001130980.2); c.3702+9G>T (NM_001130978.2, NM_003494.4); c.3660+9G>T (NM_001130977.2, NM_001130976.2); c.3798+9G>T (NM_001130982.2); c.3756+9G>T (NM_001130985.2); c.3705+9G>T (NM_001130983.2, NM_001130455.2); and 1 more.
Identifiers: ClinVar variation 163303 (VCV000163303.35), dbSNP rs191746041, ClinGen allele CA175985.
Genomic context (GRCh38, chr2:71,598,754, plus strand): 5'-TGCTGAGCAACCGCCCAGCATTGTGGTGGAGCTGTACGACCATGACACTTATGTGAGTCT[G>T]CCCAGCTCCTGCCTCGTCCCCTCACAGGGAGGGACCATGTGCAAAGGTGGGGTCTCCAGG-3'

ClinVar aggregate classification (germline): Conflicting classifications of pathogenicity. Review status: criteria provided, conflicting classifications (1 of 4 stars). 11 submissions from 11 submitters: Uncertain significance (3); Benign (1); Likely benign (5). 2 of the submissions do not count toward it. Last evaluated 2026-02-04.

Conditions:
DYSF-related disorder. Also called: DYSF-related condition; DYSF-related disorders.
Autosomal recessive limb-girdle muscular dystrophy. Identifiers: Orphanet 102015, MedGen C2931907, MONDO:0015152.
Neuromuscular disease caused by qualitative or quantitative defects of dysferlin. Also called: Dysferlinopathy; Qualitative or quantitative defects of dysferlin. Identifiers: Orphanet 207073, MedGen C2931687, MONDO:0016145.

Allele frequency attached by ClinVar (database versions not stated): gnomAD exomes 0.00044 and 0.00059; ExAC 0.00051; gnomAD 0.00076 and 0.00081; ESP Exome Variant Server 0.00077; TOPMed 0.00117; 1000 Genomes Project 30x 0.00172; 1000 Genomes Project 0.00200.

Submissions (11):

Labcorp Genetics (formerly Invitae), Labcorp
Classification: Benign for Neuromuscular disease caused by qualitative or quantitative defects of dysferlin. Last evaluated: 2026-02-04. Review status: criteria provided, single submitter. Criteria: Invitae Variant Classification Sherloc (09022015). Collection method: clinical testing. Allele origin: germline.

Myriad Genetics, Inc.
Classification: Uncertain significance for Autosomal recessive limb-girdle muscular dystrophy. Last evaluated: 2025-11-18. Review status: criteria provided, single submitter. Criteria: Myriad Autosomal Dominant, Autosomal Recessive and X-Linked Classification Criteria (2023). Collection method: clinical testing. Allele origin: unknown.
Comment: NM_003494.3(DYSF):c.3702+9G>T is an intronic variant classified as a variant of uncertain significance in the context of dysferlinopathy. c.3702+9G>T has been observed in a case with relevant disease (PMID: 23519732). Relevant functional assessments of this variant are available in the literature (PMID: 23519732). c.3702+9G>T has been observed in referenced population frequency databases. In summary, there is insufficient evidence to classify NM_003494.3(DYSF):c.3702+9G>T as pathogenic or benign. Please note: this variant was assessed in the context of healthy population screening.

Mayo Clinic Laboratories, Mayo Clinic
Classification: Likely benign. Last evaluated: 2025-07-18. Review status: criteria provided, single submitter. Criteria: ACMG Guidelines, 2015. Collection method: clinical testing. Allele origin: germline. Observed: 1 variant allele.
Comment: BS1, BP4, BP7

PreventionGenetics, part of Exact Sciences
Classification: Likely benign for DYSF-related condition. Last evaluated: 2025-04-09. Review status: criteria provided, single submitter. Criteria: ACMG Guidelines, 2015. Collection method: clinical testing. Allele origin: germline.
Comment: This variant is classified as likely benign based on ACMG/AMP sequence variant interpretation guidelines (Richards et al. 2015 PMID: 25741868, with internal and published modifications).

Blueprint Genetics
Classification: Likely benign. Last evaluated: 2024-11-19. Review status: criteria provided, single submitter. Criteria: ACMG Guidelines, 2015. Collection method: clinical testing. Allele origin: germline.

GeneDx
Classification: Likely benign. Last evaluated: 2018-04-13. Review status: criteria provided, single submitter. Criteria: GeneDx Variant Classification Process June 2021. Collection method: clinical testing. Allele origin: germline. Affected: yes.
Comment: This variant is associated with the following publications: (PMID: 23519732, 27884173)

Eurofins Ntd Llc (ga)
Classification: Likely benign. Last evaluated: 2015-08-27. Review status: criteria provided, single submitter. Criteria: EGL Classification Definitions 2015. Collection method: clinical testing. Allele origin: germline. Observed: 1 variant allele, 1 heterozygote.

Genetic Services Laboratory, University of Chicago
Classification: Uncertain significance. Last evaluated: 2015-05-26. Review status: criteria provided, single submitter. Criteria: ACMG Guidelines, 2015. Collection method: clinical testing. Allele origin: germline.

Laboratory for Molecular Medicine, Mass General Brigham Personalized Medicine
Classification: Uncertain significance. Last evaluated: 2014-08-05. Review status: criteria provided, single submitter. Criteria: LMM Criteria. Collection method: clinical testing. Allele origin: germline. Observed: 1 variant allele.
Comment: Variant classified as Uncertain Significance - Favor Benign.

Clinical Genetics DNA and cytogenetics Diagnostics Lab, Erasmus MC, Erasmus Medical Center
Classification: Likely benign. Review status: no assertion criteria provided. Collection method: clinical testing. Allele origin: germline. Affected: yes. Study: VKGL Data-share Consensus. Not counted in ClinVar's aggregate classification.

Laboratory of Diagnostic Genome Analysis, Leiden University Medical Center (LUMC)
Classification: Likely benign. Review status: no assertion criteria provided. Collection method: clinical testing. Allele origin: germline. Affected: yes. Study: VKGL Data-share Consensus. Not counted in ClinVar's aggregate classification.

Literature cited by the submitters: PubMed 23519732 (cited by Myriad Genetics, Inc. and Mayo Clinic Laboratories, Mayo Clinic); PubMed 27884173 (cited by Mayo Clinic Laboratories, Mayo Clinic); PubMed 39678382 (cited by Mayo Clinic Laboratories, Mayo Clinic).